The following is an entry in ClinVar:

NM_006531.5(IFT88):c.412A>G (p.Ile138Val)

Gene: IFT88 (intraflagellar transport 88; plus strand). Cytogenetic location: 13q12.11.
Variant type: single nucleotide variant.
Coding change: c.412A>G on transcript NM_006531.5 (MANE Select); coding-DNA position 412, A replaced by G.
Protein change: p.Ile138Val; replaces isoleucine 138 with valine.
Molecular consequence: missense variant. On other transcripts: 5 prime UTR variant (1), non-coding transcript variant (5).
Genome position (GRCh38, 1-based): chr13:20,596,163, A>G. VCF-style: chr13-20596163-A-G. GRCh37 (hg19) VCF-style: chr13-21170302-A-G.
Other names: c.355A>G, p.Ile119Val (NM_001318491.2, NM_001353573.2, NM_001353574.2 and 1 more transcripts); c.439A>G, p.Ile147Val (NM_001318493.2, NM_001353565.2, NM_001353566.2 and 6 more transcripts); c.412A>G, p.Ile138Val (NM_001353568.2, NM_001353571.2, NM_001353572.2 and 1 more transcripts); c.-222A>G (NM_001353579.2); short protein forms I138V, I147V, I119V.
Identifiers: ClinVar variation 4983662 (VCV004983662.1).

ClinVar aggregate classification (germline): Uncertain significance (1 of 4 stars; one submission).

Conditions:
IFT88-related disorder. Also called: IFT88-related condition.

gnomAD v4.1: 1 of 1,510,338 alleles (0.000066%); highest among the groups gnomAD compares: Non-Finnish European, 0.00009%; no homozygotes.

Submission:

PreventionGenetics, part of Exact Sciences
Classification: Uncertain significance for IFT88-related condition. Last evaluated: 2026-07-31. Review status: criteria provided, single submitter. Criteria: ACMG Guidelines, 2015. Collection method: clinical testing. Allele origin: germline.
Comment: The IFT88 c.439A>G variant is predicted to result in the amino acid substitution p.Ile147Val. To our knowledge, this variant has not been reported in the literature. This variant is reported in 0.00096% of alleles in individuals of European (Non-Finnish) descent in gnomAD. At this time, the clinical significance of this variant is uncertain due to the absence of conclusive functional and genetic evidence.